The following is an entry in ClinVar:

NM_004369.4(COL6A3):c.8150G>A (p.Ser2717Asn)

Gene: COL6A3 (collagen type VI alpha 3 chain; minus strand). Cytogenetic location: 2q37.3.
Variant type: single nucleotide variant.
Coding change: c.8150G>A on transcript NM_004369.4 (MANE Select); coding-DNA position 8150, G replaced by A.
Protein change: p.Ser2717Asn; replaces serine 2717 with asparagine.
Molecular consequence: missense variant.
Genome position (GRCh38, 1-based): chr2:237,340,766, C>T on the plus strand (G>A on the coding strand, the complement: COL6A3 is on the minus strand). VCF-style: chr2-237340766-C-T. GRCh37 (hg19) VCF-style: chr2-238249409-C-T.
Other names: c.6329G>A, p.Ser2110Asn (NM_057166.5); c.7532G>A, p.Ser2511Asn (NM_057167.4); short protein forms S2110N, S2717N, S2511N.
Identifiers: ClinVar variation 1041150 (VCV001041150.11), dbSNP rs763974888, ClinGen allele CA351196334.

ClinVar aggregate classification (germline): Uncertain significance (1 of 4 stars; one submission).

Conditions:
Bethlem myopathy 1A. Also called: Bethlem Muscular Dystrophy; MYOPATHY, BENIGN CONGENITAL, WITH CONTRACTURES; Bethlem myopathy 1. Identifiers: Orphanet 610, MedGen CN029274, MONDO:0024530, OMIM 158810.

gnomAD v4.1: 1 of 1,614,194 alleles (0.000062%); highest among the groups gnomAD compares: Non-Finnish European, 0.000085%; no homozygotes.

Submission:

Labcorp Genetics (formerly Invitae), Labcorp
Classification: Uncertain significance for Bethlem myopathy 1A. Last evaluated: 2025-05-19. Review status: criteria provided, single submitter. Criteria: Invitae Variant Classification Sherloc (09022015). Collection method: clinical testing. Allele origin: germline.
Comment: This sequence change replaces serine, which is neutral and polar, with asparagine, which is neutral and polar, at codon 2717 of the COL6A3 protein (p.Ser2717Asn). This variant is not present in population databases (gnomAD no frequency). This variant has not been reported in the literature in individuals affected with COL6A3-related conditions. ClinVar contains an entry for this variant (Variation ID: 1041150). Invitae Evidence Modeling of protein sequence and biophysical properties (such as structural, functional, and spatial information, amino acid conservation, physicochemical variation, residue mobility, and thermodynamic stability) indicates that this missense variant is not expected to disrupt COL6A3 protein function with a negative predictive value of 80%. In summary, the available evidence is currently insufficient to determine the role of this variant in disease. Therefore, it has been classified as a Variant of Uncertain Significance.